The following is an entry in ClinVar:

NM_025137.4(SPG11):c.4827G>A (p.Met1609Ile)

Gene: SPG11 (SPG11 vesicle trafficking associated, spatacsin; minus strand). Cytogenetic location: 15q21.1.
Variant type: single nucleotide variant.
Coding change: c.4827G>A on transcript NM_025137.4 (MANE Select); coding-DNA position 4827, G replaced by A.
Protein change: p.Met1609Ile; replaces methionine 1609 with isoleucine.
Molecular consequence: missense variant.
Genome position (GRCh38, 1-based): chr15:44,589,331, C>T on the plus strand (G>A on the coding strand, the complement: SPG11 is on the minus strand). VCF-style: chr15-44589331-C-T. GRCh37 (hg19) VCF-style: chr15-44881529-C-T.
Other names: c.4827G>A, p.Met1609Ile (NM_001160227.2); short protein forms M1609I.
Identifiers: ClinVar variation 1390618 (VCV001390618.6), dbSNP rs1208218561, ClinGen allele CA392224291.

ClinVar aggregate classification (germline): Uncertain significance (1 of 4 stars; one submission).

Conditions:
Hereditary spastic paraplegia 11. Also called: Nakamura Osame syndrome; Autosomal recessive hereditary spastic paraplegia, mental impairment, and thin corpus callosum; SPASTIC PARAPLEGIA, AUTOSOMAL RECESSIVE, COMPLICATED, WITH THIN CORPUS CALLOSUM; SPASTIC PARAPLEGIA, AUTOSOMAL RECESSIVE, WITH MENTAL IMPAIRMENT AND THIN CORPUS CALLOSUM; Spastic paraplegia, mental retardation and thin corpus callosum; Spastic Paraplegia 11. Identifiers: Orphanet 2822, MedGen C1858479, MONDO:0011445, OMIM 604360.

Allele frequency attached by ClinVar (database versions not stated): TOPMed below 0.00001; gnomAD exomes 0.00001.

Submission:

Labcorp Genetics (formerly Invitae), Labcorp
Classification: Uncertain significance for Hereditary spastic paraplegia 11. Last evaluated: 2023-08-10. Review status: criteria provided, single submitter. Criteria: Invitae Variant Classification Sherloc (09022015). Collection method: clinical testing. Allele origin: germline.
Comment: In summary, the available evidence is currently insufficient to determine the role of this variant in disease. Therefore, it has been classified as a Variant of Uncertain Significance. This sequence change replaces methionine, which is neutral and non-polar, with isoleucine, which is neutral and non-polar, at codon 1609 of the SPG11 protein (p.Met1609Ile). This variant is present in population databases (no rsID available, gnomAD 0.002%). This variant has not been reported in the literature in individuals affected with SPG11-related conditions. ClinVar contains an entry for this variant (Variation ID: 1390618). Advanced modeling of protein sequence and biophysical properties (such as structural, functional, and spatial information, amino acid conservation, physicochemical variation, residue mobility, and thermodynamic stability) performed at Invitae indicates that this missense variant is not expected to disrupt SPG11 protein function.